The following is an entry in ClinVar:

ClinVar aggregate classification (germline): Conflicting classifications of pathogenicity. Review status: criteria provided, conflicting classifications (1 of 4 stars). 13 submissions from 13 submitters: Uncertain significance (7); Likely benign (2). 4 of the submissions do not count toward it. Last evaluated 2026-01-13.

Conditions:
Inherited breast cancer and ovarian cancer.
Familial cancer of breast. Also called: hereditary breast carcinoma; Hereditary breast cancer; BREAST CANCER, FAMILIAL. Identifiers: Orphanet 227535, MedGen C0346153, MONDO:0016419, OMIM 114480. Disease mechanism: loss of function.
Hereditary cancer-predisposing syndrome. Also called: Tumor predisposition; Hereditary neoplastic syndrome; Neoplastic Syndromes, Hereditary; Hereditary Cancer Syndrome. Identifiers: Orphanet 140162, MedGen C0027672, MeSH D009386, MONDO:0015356.

Allele frequency attached by ClinVar (database versions not stated): TOPMed below 0.00001; gnomAD exomes 0.00002.

Submissions (13):

Labcorp Genetics (formerly Invitae), Labcorp
Classification: Uncertain significance for Familial cancer of breast. Last evaluated: 2026-01-13. Review status: criteria provided, single submitter. Criteria: Invitae Variant Classification Sherloc (09022015). Collection method: clinical testing. Allele origin: germline.
Comment: This sequence change replaces proline, which is neutral and non-polar, with serine, which is neutral and polar, at codon 918 of the PALB2 protein (p.Pro918Ser). This variant is not present in population databases (gnomAD no frequency). This missense change has been observed in individual(s) with breast cancer (PMID: 21285249, 29522266; internal data). It has also been observed to segregate with disease in related individuals. ClinVar contains an entry for this variant (Variation ID: 126679). Invitae Evidence Modeling of protein sequence and biophysical properties (such as structural, functional, and spatial information, amino acid conservation, physicochemical variation, residue mobility, and thermodynamic stability) has been performed for this missense variant. However, the output from this modeling did not meet the statistical confidence thresholds required to predict the impact of this variant on PALB2 protein function. RNA analysis performed to evaluate the impact of this missense change on mRNA splicing indicates it does not significantly alter splicing (internal data). In summary, the available evidence is currently insufficient to determine the role of this variant in disease. Therefore, it has been classified as a Variant of Uncertain Significance.

Ambry Genetics
Classification: Uncertain significance for Hereditary cancer-predisposing syndrome. Last evaluated: 2025-07-31. Review status: criteria provided, single submitter. Criteria: Ambry Variant Classification Scheme 2023. Collection method: clinical testing. Allele origin: germline.
Comment: The p.P918S variant (also known as c.2752C>T), located in coding exon 8 of the PALB2 gene, results from a C to T substitution at nucleotide position 2752. The proline at codon 918 is replaced by serine, an amino acid with similar properties. This alteration was reported in 4/1144 BRCA1/2 negative breast cancer patients with at least two relatives diagnosed with breast cancer (Casadei S et al. Cancer Res., 2011 Mar;71:2222-9). This alteration has also been reported in at least one subject in a study of 13087 breast cancer cases and 5488 control individuals in the UK (Decker B et al. J Med Genet, 2017 11;54:732-741). Additionally, this alteration was detected in 1/5589 German BRCA1/2-negative probands with breast cancer (Hauke J et al. Cancer Med, 2018 04;7:1349-1358). This alteration was also detected in a high-risk individual undergoing pancreatic cancer screening (Abe T et al. J Clin Oncol, 2019 05;37:1070-1080). This amino acid position is highly conserved in available vertebrate species. In addition, the in silico prediction for this alteration is inconclusive. Since supporting evidence is limited at this time, the clinical significance of this alteration remains unclear.

Cambridge Genomics Laboratory, East Genomic Laboratory Hub, NHS Genomic Medicine Service
Classification: Likely benign for Inherited breast cancer and ovarian cancer. Last evaluated: 2024-12-19. Review status: criteria provided, single submitter. Criteria: ACGS Best Practice Guidelines for Variant Classification in Rare Disease 2020. Collection method: clinical testing. Allele origin: germline. Affected: yes.
Comment: BP1,BP4

Blueprint Genetics
Classification: Uncertain significance. Last evaluated: 2024-03-27. Review status: criteria provided, single submitter. Criteria: ACMG Guidelines, 2015. Collection method: clinical testing. Allele origin: germline.

Baylor Genetics
Classification: Uncertain significance for Familial cancer of breast. Last evaluated: 2024-03-03. Review status: criteria provided, single submitter. Criteria: ACMG Guidelines, 2015. Collection method: clinical testing. Allele origin: unknown.

Color Diagnostics, LLC DBA Color Health
Classification: Uncertain significance for Hereditary cancer-predisposing syndrome. Last evaluated: 2023-11-08. Review status: criteria provided, single submitter. Criteria: ACMG Guidelines, 2015. Collection method: clinical testing. Allele origin: germline.
Comment: This missense variant replaces proline with serine at codon 918 of the PALB2 protein. Computational prediction suggests that this variant may not impact protein structure and function. An RNA study has reported that this variant does not impact mRNA splicing (PMID: 31843900). To our knowledge, functional studies have not been reported for this variant. This variant has been reported in at least five individuals affected with breast cancer (PMID: 21285249, 28779002, 29522266) and has been detected in a breast cancer case-control meta-analysis in 2/60466 cases and 0/53461 unaffected individuals (PMID: 33471991; Leiden Open Variation Database DB-ID PALB2_010192). This variant has not been identified in the general population by the Genome Aggregation Database (gnomAD). The available evidence is insufficient to determine the role of this variant in disease conclusively. Therefore, this variant is classified as a Variant of Uncertain Significance.

Myriad Genetics, Inc.
Classification: Likely benign for Familial cancer of breast. Last evaluated: 2023-03-31. Review status: criteria provided, single submitter. Criteria: Myriad Autosomal Dominant, Autosomal Recessive and X-Linked Classification Criteria (2023). Collection method: clinical testing. Allele origin: unknown.
Comment: This variant is considered likely benign. This variant has been observed in trans with a known pathogenic variant in one or more individuals lacking clinical features consistent with gene-specific recessive disease.

GeneDx
Classification: Uncertain significance. Last evaluated: 2021-04-28. Review status: criteria provided, single submitter. Criteria: GeneDx Variant Classification Process June 2021. Collection method: clinical testing. Allele origin: germline. Affected: yes.
Comment: Not observed in large population cohorts (Lek 2016); In silico analysis supports that this missense variant has a deleterious effect on protein structure/function; Observed in individuals with breast cancer (Casadei 2011, Decker 2017); This variant is associated with the following publications: (PMID: 21285249, 28024868, 28779002, 31843900)

Quest Diagnostics Nichols Institute San Juan Capistrano
Classification: Uncertain significance. Last evaluated: 2019-10-18. Review status: criteria provided, single submitter. Criteria: Quest Diagnostics criteria. Collection method: clinical testing. Allele origin: unknown.

King Laboratory, University of Washington
Classification: Benign. Last evaluated: 2019-09-01. Review status: no assertion criteria provided. Collection method: research. Allele origin: germline. Affected: yes. Not counted in ClinVar's aggregate classification.
Comment: Transcript analysis by cBROCA

Leiden Open Variation Database
Classification: Uncertain significance for Familial cancer of breast. Last evaluated: 2019-05-13. Review status: no assertion criteria provided. Collection method: curation. Allele origin: germline. Affected: yes. Not counted in ClinVar's aggregate classification.
Comment: Curators: Marc Tischkowitz, Arleen D. Auerbach. Submitter to LOVD: Marc Tischkowitz.

True Health Diagnostics
Classification: Uncertain significance for Hereditary cancer-predisposing syndrome. Last evaluated: 2018-07-13. Review status: no assertion criteria provided. Collection method: clinical testing. Allele origin: germline. Not counted in ClinVar's aggregate classification.

Counsyl
Classification: Uncertain significance for Familial cancer of breast. Last evaluated: 2015-12-11. Review status: no assertion criteria provided. Collection method: clinical testing. Allele origin: unknown. Not counted in ClinVar's aggregate classification.

Literature cited by the submitters: PubMed 21285249 (cited by 6 submitters); PubMed 29522266 (cited by 3 submitters); PubMed 28779002 (cited by 3 submitters); PubMed 30883245 (cited by Ambry Genetics); PubMed 31843900 (cited by Color Diagnostics, LLC DBA Color Health and King Laboratory, University of Washington); PubMed 33471991 (cited by Color Diagnostics, LLC DBA Color Health).

NM_024675.4(PALB2):c.2752C>T (p.Pro918Ser)

Gene: PALB2 (partner and localizer of BRCA2; minus strand). Cytogenetic location: 16p12.2.
Variant type: single nucleotide variant.
Coding change: c.2752C>T on transcript NM_024675.4 (MANE Select); coding-DNA position 2752, C replaced by T.
Protein change: p.Pro918Ser; replaces proline 918 with serine.
Molecular consequence: missense variant.
Genome position (GRCh38, 1-based): chr16:23,624,091, G>A on the plus strand (C>T on the coding strand, the complement: PALB2 is on the minus strand). VCF-style: chr16-23624091-G-A. GRCh37 (hg19) VCF-style: chr16-23635412-G-A.
Other names: short protein forms P918S.
Identifiers: ClinVar variation 126679 (VCV000126679.38), dbSNP rs515726094, ClinGen allele CA192533.